The following is an entry in ClinVar:

NM_000321.3(RB1):c.1229A>C (p.Asn410Thr)

Gene: RB1 (RB transcriptional corepressor 1; plus strand). Cytogenetic location: 13q14.2.
Variant type: single nucleotide variant.
Coding change: c.1229A>C on transcript NM_000321.3 (MANE Select); coding-DNA position 1229, A replaced by C.
Protein change: p.Asn410Thr; replaces asparagine 410 with threonine.
Molecular consequence: missense variant.
Genome position (GRCh38, 1-based): chr13:48,376,931, A>C. VCF-style: chr13-48376931-A-C. GRCh37 (hg19) VCF-style: chr13-48951067-A-C.
Other names: short protein forms N410T.
Identifiers: ClinVar variation 957087 (VCV000957087.13), dbSNP rs1952831003, ClinGen allele CA388161958.

ClinVar aggregate classification (germline): Uncertain significance. Review status: criteria provided, multiple submitters, no conflicts (2 of 4 stars). 3 submissions from 3 submitters: Uncertain significance (3). Last evaluated 2026-01-16.

Conditions:
Hereditary cancer-predisposing syndrome. Also called: Hereditary neoplastic syndrome; Tumor predisposition; Neoplastic Syndromes, Hereditary; Hereditary Cancer Syndrome. Identifiers: Orphanet 140162, MedGen C0027672, MeSH D009386, MONDO:0015356.
Retinoblastoma (RB1). Also called: RETINOBLASTOMA, SOMATIC. Identifiers: Orphanet 790, MedGen C0035335, MeSH D012175, MONDO:0008380, OMIM 180200, HP:0009919. Disease mechanism: loss of function. Inheritance: Both sporadic and heritable forms are tested..

Submissions (3):

Labcorp Genetics (formerly Invitae), Labcorp
Classification: Uncertain significance for Retinoblastoma. Last evaluated: 2026-01-16. Review status: criteria provided, single submitter. Criteria: Invitae Variant Classification Sherloc (09022015). Collection method: clinical testing. Allele origin: germline.
Comment: This sequence change replaces asparagine, which is neutral and polar, with threonine, which is neutral and polar, at codon 410 of the RB1 protein (p.Asn410Thr). This variant is not present in population databases (gnomAD no frequency). This variant has not been reported in the literature in individuals affected with RB1-related conditions. ClinVar contains an entry for this variant (Variation ID: 957087). Invitae Evidence Modeling of protein sequence and biophysical properties (such as structural, functional, and spatial information, amino acid conservation, physicochemical variation, residue mobility, and thermodynamic stability) indicates that this missense variant is not expected to disrupt RB1 protein function with a negative predictive value of 80%. In summary, the available evidence is currently insufficient to determine the role of this variant in disease. Therefore, it has been classified as a Variant of Uncertain Significance.

All of Us Research Program, National Institutes of Health
Classification: Uncertain significance for Retinoblastoma. Last evaluated: 2024-04-16. Review status: criteria provided, single submitter. Criteria: ACMG Guidelines, 2015. Collection method: clinical testing. Allele origin: germline. Inheritance: Autosomal dominant inheritance. Observed: 1 variant allele, 1 heterozygote.
Comment: This missense variant replaces asparagine with threonine at codon 410 of the RB1 protein. Computational prediction suggests that this variant may have deleterious impact on protein structure and function (internally defined REVEL score threshold >= 0.7, PMID: 27666373). To our knowledge, functional studies have not been reported for this variant. This variant has not been reported in individuals affected with hereditary cancer in the literature. This variant has not been identified in the general population by the Genome Aggregation Database (gnomAD). The available evidence is insufficient to determine the role of this variant in disease conclusively. Therefore, this variant is classified as a Variant of Uncertain Significance.

This study involves interpretation of variants in research participants for the purpose of population health screening. Participant phenotype was not available at the time of variant classification. Additional details can be found in publication PMID: 35346344, PMCID: PMC8962531

Ambry Genetics
Classification: Uncertain significance for Hereditary cancer-predisposing syndrome. Last evaluated: 2021-10-19. Review status: criteria provided, single submitter. Criteria: Ambry Variant Classification Scheme 2023. Collection method: clinical testing. Allele origin: germline.
Comment: The p.N410T variant (also known as c.1229A>C), located in coding exon 13 of the RB1 gene, results from an A to C substitution at nucleotide position 1229. The asparagine at codon 410 is replaced by threonine, an amino acid with similar properties. This amino acid position is well conserved in available vertebrate species. In addition, the in silico prediction for this alteration is inconclusive. Since supporting evidence is limited at this time, the clinical significance of this alteration remains unclear.